The following is an entry in ClinVar:

NM_020778.5(ALPK3):c.2747T>C (p.Leu916Pro)

Gene: ALPK3 (alpha kinase 3; plus strand). Cytogenetic location: 15q25.3.
Variant type: single nucleotide variant.
Coding change: c.2747T>C on transcript NM_020778.5 (MANE Select); coding-DNA position 2747, T replaced by C.
Protein change: p.Leu916Pro; replaces leucine 916 with proline.
Molecular consequence: missense variant.
Genome position (GRCh38, 1-based): chr15:84,857,485, T>C. VCF-style: chr15-84857485-T-C. GRCh37 (hg19) VCF-style: chr15-85400716-T-C.
Other names: p.Leu1118Pro; short protein forms L1118P, L916P.
Identifiers: ClinVar variation 432747 (VCV000432747.19), dbSNP rs150385353, ClinGen allele CA7709485.

ClinVar aggregate classification (germline): Conflicting classifications of pathogenicity. Review status: criteria provided, conflicting classifications (1 of 4 stars). 7 submissions from 7 submitters: Uncertain significance (1); Likely benign (5). 1 of the submissions does not count toward it. Last evaluated 2026-04-13.

Conditions:
ALPK3-related disorder. Also called: ALPK3-related condition.
Cardiovascular phenotype. Identifiers: MedGen CN230736.

Allele frequency attached by ClinVar (database versions not stated): ExAC 0.00030; 1000 Genomes Project 30x 0.00078; 1000 Genomes Project 0.00080; gnomAD 0.00084 and 0.00085; TOPMed 0.00084; ESP Exome Variant Server 0.00100.
gnomAD v4.1: 254 of 1,606,558 alleles (0.016%); highest among the groups gnomAD compares: African/African-American, 0.3%; no homozygotes.

Submissions (7):

Women's Health and Genetics/Laboratory Corporation of America, LabCorp
Classification: Uncertain significance. Last evaluated: 2026-04-13. Review status: criteria provided, single submitter. Criteria: LabCorp Variant Classification Summary - May 2015. Collection method: clinical testing. Allele origin: germline.
Comment: Variant summary: ALPK3 c.2747T>C (p.Leu916Pro) results in a non-conservative amino acid change in the encoded protein sequence. Algorithms developed to predict the effect of missense changes on protein structure and function are either unavailable or do not agree on the potential impact of this missense change. The variant allele was found at a frequency of 0.00023 in 243890 control chromosomes. This frequency is not significantly higher than estimated for disease-causing variants in ALPK3, allowing no conclusion about variant significance. c.2747T>C has been observed in at least one individual affected with Dilated Cardiomyopathy. This individual had co-occurrences in three other genes associated with cardiac phenotypes, including a pathogenic variant in the SCN5A gene (example: Burstein_2021). This report does not provide unequivocal conclusions about association of the ALPK3 variant with Cardiomyopathy. To our knowledge, no experimental evidence demonstrating an impact on protein function has been reported. The following publication has been ascertained in the context of this evaluation (PMID: 32746448). ClinVar contains an entry for this variant (Variation ID: 432747). Based on the evidence outlined above, the variant was classified as uncertain significance.

Labcorp Genetics (formerly Invitae), Labcorp
Classification: Likely benign. Last evaluated: 2026-01-19. Review status: criteria provided, single submitter. Criteria: Invitae Variant Classification Sherloc (09022015). Collection method: clinical testing. Allele origin: germline.

Mayo Clinic Laboratories, Mayo Clinic
Classification: Likely benign. Last evaluated: 2025-04-02. Review status: criteria provided, single submitter. Criteria: ACMG Guidelines, 2015. Collection method: clinical testing. Allele origin: germline. Observed: 1 variant allele.
Comment: BS1, BP4_moderate

GeneDx
Classification: Likely benign. Last evaluated: 2021-05-12. Review status: criteria provided, single submitter. Criteria: GeneDx Variant Classification Process June 2021. Collection method: clinical testing. Allele origin: germline. Affected: yes.

Blueprint Genetics
Classification: Likely benign. Last evaluated: 2021-02-04. Review status: criteria provided, single submitter. Criteria: ACMG Guidelines, 2015. Collection method: clinical testing. Allele origin: germline.

Ambry Genetics
Classification: Likely benign for Cardiovascular phenotype. Last evaluated: 2019-01-24. Review status: criteria provided, single submitter. Criteria: Ambry Variant Classification Scheme 2023. Collection method: clinical testing. Allele origin: germline.

PreventionGenetics, part of Exact Sciences
Classification: Likely benign for ALPK3-related condition. Last evaluated: 2023-06-30. Review status: no assertion criteria provided. Collection method: clinical testing. Allele origin: germline. Not counted in ClinVar's aggregate classification.
Comment: This variant is classified as likely benign based on ACMG/AMP sequence variant interpretation guidelines (Richards et al. 2015 PMID: 25741868, with internal and published modifications).

Literature cited by the submitters: PubMed 32746448 (cited by Women's Health and Genetics/Laboratory Corporation of America, LabCorp and Mayo Clinic Laboratories, Mayo Clinic).